The following is an entry in ClinVar:

NM_025243.4(SLC19A3):c.1314+121C>A

Gene: SLC19A3 (solute carrier family 19 member 3; minus strand). Cytogenetic location: 2q36.3.
Variant type: single nucleotide variant.
Coding change: c.1314+121C>A on transcript NM_025243.4 (MANE Select); 121 bases into the intron after coding-DNA position 1314, C replaced by A.
Molecular consequence: intron variant.
Genome position (GRCh38, 1-based): chr2:227,688,045, G>T on the plus strand (C>A on the coding strand, the complement: SLC19A3 is on the minus strand). VCF-style: chr2-227688045-G-T. GRCh37 (hg19) VCF-style: chr2-228552761-G-T.
Identifiers: ClinVar variation 676327 (VCV000676327.2), dbSNP rs74971746, ClinGen allele CA66655628.

ClinVar aggregate classification (germline): Benign. Review status: criteria provided, multiple submitters, no conflicts (2 of 4 stars). 2 submissions from 2 submitters: Benign (2). Last evaluated 2018-06-14.

Allele frequency attached by ClinVar (database versions not stated): gnomAD exomes 0.01521; gnomAD 0.07461 and 0.07959; TOPMed 0.08322; 1000 Genomes Project 0.08446; 1000 Genomes Project 30x 0.09525.
gnomAD v4.1: 25,841 of 1,077,790 alleles (2.4%); highest among the groups gnomAD compares: African/African-American, 24%; 1,942 homozygotes.

Submissions (2):

GeneDx
Classification: Benign. Last evaluated: 2018-06-14. Review status: criteria provided, single submitter. Criteria: GeneDx Variant Classification (06012015). Collection method: clinical testing. Allele origin: germline. Affected: yes.
Comment: This variant is considered likely benign or benign based on one or more of the following criteria: it is a conservative change, it occurs at a poorly conserved position in the protein, it is predicted to be benign by multiple in silico algorithms, and/or has population frequency not consistent with disease.

Breakthrough Genomics
Classification: Benign. Review status: criteria provided, single submitter. Criteria: ACMG Guidelines, 2015. Collection method: not provided. Allele origin: germline. Inheritance: Autosomal recessive inheritance. Affected: yes.